The following is an entry in ClinVar:

NM_000051.4(ATM):c.420T>A (p.Asp140Glu)

Gene: ATM (ATM serine/threonine kinase; plus strand). Cytogenetic location: 11q22.3.
Variant type: single nucleotide variant.
Coding change: c.420T>A on transcript NM_000051.4 (MANE Select); coding-DNA position 420, T replaced by A.
Protein change: p.Asp140Glu; replaces aspartic acid 140 with glutamic acid.
Molecular consequence: missense variant.
Genome position (GRCh38, 1-based): chr11:108,235,758, T>A. VCF-style: chr11-108235758-T-A. GRCh37 (hg19) VCF-style: chr11-108106485-T-A.
Other names: c.420T>A, p.Asp140Glu (NM_001351834.2); short protein forms D140E.
Identifiers: ClinVar variation 824684 (VCV000824684.14), dbSNP rs1591475108, ClinGen allele CA382525103.
Genomic context (GRCh38, chr11:108,235,758, plus strand): 5'-CTTAAATTATATCATGGATACAGTGAAAGATTCATCTAATGGTGCTATTTACGGAGCTGA[T>A]TGTAGCAACATACTACTCAAAGACATTCTTTCTGTGAGAAAATACTGGTGTGAAATATCT-3'
Protein context (NP_000042.3, residues 130-150): DSSNGAIYGA[Asp140Glu]CSNILLKDIL

ClinVar aggregate classification (germline): Uncertain significance. Review status: criteria provided, multiple submitters, no conflicts (2 of 4 stars). 2 submissions from 2 submitters: Uncertain significance (2). Last evaluated 2024-06-09.

Conditions:
Ataxia-telangiectasia syndrome (AT). Also called: ATAXIA-TELANGIECTASIA, COMPLEMENTATION GROUP A; ATAXIA-TELANGIECTASIA, FRESNO VARIANT; Ataxia-telangiectasia, complementation group E; Ataxia telangiectasia (A-T); LOUIS-BAR SYNDROME; Cerebello-oculocutaneous telangiectasia. Identifiers: Orphanet 100, MedGen C0004135, MONDO:0008840, OMIM 208900.
Hereditary cancer-predisposing syndrome. Also called: Neoplastic Syndromes, Hereditary; Hereditary Cancer Syndrome; Hereditary neoplastic syndrome; Tumor predisposition. Identifiers: Orphanet 140162, MedGen C0027672, MeSH D009386, MONDO:0015356.

Submissions (2):

Labcorp Genetics (formerly Invitae), Labcorp
Classification: Uncertain significance for Ataxia-telangiectasia syndrome. Last evaluated: 2024-06-09. Review status: criteria provided, single submitter. Criteria: Invitae Variant Classification Sherloc (09022015). Collection method: clinical testing. Allele origin: germline.
Comment: This sequence change replaces aspartic acid, which is acidic and polar, with glutamic acid, which is acidic and polar, at codon 140 of the ATM protein (p.Asp140Glu). This variant is not present in population databases (gnomAD no frequency). This variant has not been reported in the literature in individuals affected with ATM-related conditions. ClinVar contains an entry for this variant (Variation ID: 824684). An algorithm developed to predict the effect of missense changes on protein structure and function (PolyPhen-2) suggests that this variant is likely to be disruptive. In summary, the available evidence is currently insufficient to determine the role of this variant in disease. Therefore, it has been classified as a Variant of Uncertain Significance.

Ambry Genetics
Classification: Uncertain significance for Hereditary cancer-predisposing syndrome. Last evaluated: 2019-01-03. Review status: criteria provided, single submitter. Criteria: Ambry Variant Classification Scheme 2023. Collection method: clinical testing. Allele origin: germline.
Comment: The p.D140E variant (also known as c.420T>A), located in coding exon 4 of the ATM gene, results from a T to A substitution at nucleotide position 420. The aspartic acid at codon 140 is replaced by glutamic acid, an amino acid with highly similar properties. This amino acid position is well conserved in available vertebrate species. In addition, the in silico prediction for this alteration is inconclusive. Since supporting evidence is limited at this time, the clinical significance of this alteration remains unclear.